The following is an entry in ClinVar:

NM_000222.3(KIT):c.2904G>A (p.Gln968=)

Gene: KIT (KIT proto-oncogene, receptor tyrosine kinase; plus strand). Cytogenetic location: 4q12.
Variant type: single nucleotide variant.
Coding change: c.2904G>A on transcript NM_000222.3 (MANE Select); coding-DNA position 2904, G replaced by A.
Protein change: p.Gln968=; no amino-acid change (glutamine 968 retained).
Molecular consequence: synonymous variant.
Genome position (GRCh38, 1-based): chr4:54,738,530, G>A. VCF-style: chr4-54738530-G-A. GRCh37 (hg19) VCF-style: chr4-55604696-G-A.
Other names: c.2892G>A, p.Gln964= (NM_001093772.2, NM_001385292.1); c.2907G>A, p.Gln969= (NM_001385284.1); c.2901G>A, p.Gln967= (NM_001385285.1); c.2889G>A, p.Gln963= (NM_001385286.1); c.2895G>A, p.Gln965= (NM_001385288.1); c.2904G>A, p.Gln968= (NM_001385290.1).
Identifiers: ClinVar variation 4875939 (VCV004875939.1).
Genomic context (GRCh38, chr4:54,738,530, plus strand): 5'-GCCCGTGGTAGACCATTCTGTGCGGATCAATTCTGTCGGCAGCACCGCTTCCTCCTCCCA[G>A]CCTCTGCTTGTGCACGACGATGTCTGAGCAGAATCAGTGTTTGGGTCACCCCTCCAGGAA-3'
Protein context (NP_000213.1, residues 958-976): NSVGSTASSS[Gln968=]PLLVHDDV

ClinVar aggregate classification (germline): Benign (1 of 4 stars; one submission).

Conditions:
Gastrointestinal stromal tumor. Also called: Gastrointestinal stromal tumor, somatic; Gastrointestinal stroma tumor. Identifiers: Orphanet 44890, MedGen C0238198, MeSH D046152, MONDO:0011719, OMIM 606764, HP:0100723.

Submission:

Myriad Genetics, Inc.
Classification: Benign for Gastrointestinal stromal tumor. Last evaluated: 2026-06-05. Review status: criteria provided, single submitter. Criteria: Myriad Autosomal Dominant, Autosomal Recessive and X-Linked Classification Criteria (2023). Collection method: clinical testing. Allele origin: unknown.
Comment: This variant is considered benign. This variant is a silent/synonymous amino acid change and it is not expected to impact splicing.